The following is an entry in ClinVar:

NM_000784.4(CYP27A1):c.1138T>C (p.Phe380Leu)

Gene: CYP27A1 (cytochrome P450 family 27 subfamily A member 1; plus strand). Cytogenetic location: 2q35.
Variant type: single nucleotide variant.
Coding change: c.1138T>C on transcript NM_000784.4 (MANE Select); coding-DNA position 1138, T replaced by C.
Protein change: p.Phe380Leu; replaces phenylalanine 380 with leucine.
Molecular consequence: missense variant.
Genome position (GRCh38, 1-based): chr2:218,814,141, T>C. VCF-style: chr2-218814141-T-C. GRCh37 (hg19) VCF-style: chr2-219678864-T-C.
Other names: short protein forms F380L.
Identifiers: ClinVar variation 4008773 (VCV004008773.1).
Genomic context (GRCh38, chr2:218,814,141, plus strand): 5'-GCCTTGCACGAGGAAGTGGTGGGTGTGGTGCCAGCCGGGCAAGTGCCCCAGCACAAGGAC[T>C]TTGCCCACATGCCGTTGCTCAAAGCTGTGCTTAAGGAGACTCTGCGGTAGGACAGAATGC-3'
Protein context (NP_000775.1, residues 370-390): PAGQVPQHKD[Phe380Leu]AHMPLLKAVL

ClinVar aggregate classification (germline): Uncertain significance (1 of 4 stars; one submission).

Conditions:
Cardiovascular phenotype. Identifiers: MedGen CN230736.

Submission:

Ambry Genetics
Classification: Uncertain significance for Cardiovascular phenotype. Last evaluated: 2025-04-23. Review status: criteria provided, single submitter. Criteria: Ambry Variant Classification Scheme 2023. Collection method: clinical testing. Allele origin: germline.
Comment: The p.F380L variant (also known as c.1138T>C), located in coding exon 6 of the CYP27A1 gene, results from a T to C substitution at nucleotide position 1138. The phenylalanine at codon 380 is replaced by leucine, an amino acid with highly similar properties. This amino acid position is conserved. In addition, this alteration is predicted to be tolerated by in silico analysis. Based on the available evidence, the clinical significance of this variant remains unclear.